The following is an entry in ClinVar:

NM_017755.6(NSUN2):c.1112G>A (p.Gly371Glu)

Gene: NSUN2 (NOP2/Sun RNA methyltransferase 2; minus strand). Cytogenetic location: 5p15.31.
Variant type: single nucleotide variant.
Coding change: c.1112G>A on transcript NM_017755.6 (MANE Select); coding-DNA position 1112, G replaced by A.
Protein change: p.Gly371Glu; replaces glycine 371 with glutamic acid.
Molecular consequence: missense variant. On other transcripts: non-coding transcript variant (1).
Genome position (GRCh38, 1-based): chr5:6,611,069, C>T on the plus strand (G>A on the coding strand, the complement: NSUN2 is on the minus strand). VCF-style: chr5-6611069-C-T. GRCh37 (hg19) VCF-style: chr5-6611182-C-T.
Other names: c.1007G>A, p.Gly336Glu (NM_001193455.2); short protein forms G371E, G336E.
Identifiers: ClinVar variation 560234 (VCV000560234.3), dbSNP rs1560975832, ClinGen allele CA359121590.

ClinVar aggregate classification (germline): Uncertain significance (1 of 4 stars; one submission).

Conditions:
Intellectual developmental disorder, autosomal recessive 5. Also called: Intellectual disability, autosomal recessive 5. Identifiers: Orphanet 88616, MedGen C1970199, MONDO:0012613, OMIM 611091.

Allele frequency attached by ClinVar (database versions not stated): gnomAD exomes below 0.00001.

Submission:

Geisinger Autism and Developmental Medicine Institute, Geisinger Health System
Classification: Uncertain significance for Intellectual developmental disorder, autosomal recessive 5. Last evaluated: 2017-08-03. Review status: criteria provided, single submitter. Criteria: ACMG Guidelines, 2015. Collection method: provider interpretation, clinical testing. Allele origin: paternal. Observed: 1 variant allele.
Comment: The p.Gly371Glu variant is absent from the gnomAD database. Computational prediction models are inconsistent.